The following is an entry in ClinVar:

ClinVar aggregate classification (germline): Uncertain significance (1 of 4 stars; one submission).

Submission:

Labcorp Genetics (formerly Invitae), Labcorp
Classification: Uncertain significance. Last evaluated: 2025-12-24. Review status: criteria provided, single submitter. Criteria: Invitae Variant Classification Sherloc (09022015). Collection method: clinical testing. Allele origin: germline.
Comment: This sequence change replaces glycine, which is neutral and non-polar, with arginine, which is basic and polar, at codon 730 of the ABCB6 protein (p.Gly730Arg). This variant is present in population databases (rs146941118, gnomAD 0.1%), and has an allele count higher than expected for a pathogenic variant. This variant has not been reported in the literature in individuals affected with ABCB6-related conditions. An algorithm developed to predict the effect of missense changes on protein structure and function (PolyPhen-2) suggests that this variant is likely to be disruptive. In summary, the available evidence is currently insufficient to determine the role of this variant in disease. Therefore, it has been classified as a Variant of Uncertain Significance.

NM_005689.4(ABCB6):c.2188G>A (p.Gly730Arg)

Gene: ABCB6 (ATP binding cassette subfamily B member 6 (LAN blood group); minus strand). Cytogenetic location: 2q35.
Variant type: single nucleotide variant.
Coding change: c.2188G>A on transcript NM_005689.4 (MANE Select); coding-DNA position 2188, G replaced by A.
Protein change: p.Gly730Arg; replaces glycine 730 with arginine.
Molecular consequence: missense variant.
Genome position (GRCh38, 1-based): chr2:219,210,779, C>T on the plus strand (G>A on the coding strand, the complement: ABCB6 is on the minus strand). VCF-style: chr2-219210779-C-T. GRCh37 (hg19) VCF-style: chr2-220075501-C-T.
Other names: c.2050G>A, p.Gly684Arg (NM_001349828.2); short protein forms G684R, G730R.
Identifiers: ClinVar variation 4740724 (VCV004740724.1).